The following is an entry in ClinVar:

NM_001148.6(ANK2):c.10737C>A (p.His3579Gln)

Gene: ANK2 (ankyrin 2; plus strand). Cytogenetic location: 4q26.
Variant type: single nucleotide variant.
Coding change: c.10737C>A on transcript NM_001148.6 (MANE Select); coding-DNA position 10737, C replaced by A.
Protein change: p.His3579Gln; replaces histidine 3579 with glutamine.
Molecular consequence: missense variant.
Genome position (GRCh38, 1-based): chr4:113,360,878, C>A. VCF-style: chr4-113360878-C-A. GRCh37 (hg19) VCF-style: chr4-114282034-C-A.
Other names: c.4560C>A, p.His1520Gln (NM_001354237.2); c.4452C>A, p.His1484Gln (NM_001354239.2, NM_001354252.2); c.4527C>A, p.His1509Gln (NM_001354240.2, NM_001354241.2, NM_001386144.1); c.4524C>A, p.His1508Gln (NM_001354242.2, NM_001354231.2); c.4419C>A, p.His1473Gln (NM_001354243.2, NM_001354255.2, NM_001386143.1); c.4416C>A, p.His1472Gln (NM_001354244.2, NM_001354256.2, NM_001386161.1); c.4320C>A, p.His1440Gln (NM_001354245.2, NM_001354262.2, NM_001354275.2); c.4479C>A, p.His1493Gln (NM_001354246.2, NM_001354265.2, NM_001354235.2); and 35 more; short protein forms H1394Q, H1399Q, H1428Q, H1484Q, H1509Q, H2379Q, H3579Q, H1333Q.
Identifiers: ClinVar variation 4096763 (VCV004096763.2).

ClinVar aggregate classification (germline): Uncertain significance. Review status: criteria provided, multiple submitters, no conflicts (2 of 4 stars). 2 submissions from 2 submitters: Uncertain significance (2). Last evaluated 2026-02-10.

Conditions:
Cardiovascular phenotype. Identifiers: MedGen CN230736.

Submissions (2):

GeneDx
Classification: Uncertain significance. Last evaluated: 2026-02-10. Review status: criteria provided, single submitter. Criteria: GeneDx Variant Classification Process June 2021. Collection method: clinical testing. Allele origin: germline.
Comment: Not observed at significant frequency in large population cohorts (gnomAD); In silico analysis supports that this missense variant has a deleterious effect on protein structure/function; Has not been previously published as pathogenic or benign to our knowledge

Ambry Genetics
Classification: Uncertain significance for Cardiovascular phenotype. Last evaluated: 2025-08-24. Review status: criteria provided, single submitter. Criteria: Ambry Variant Classification Scheme 2023. Collection method: clinical testing. Allele origin: germline.
Comment: The p.H3579Q variant (also known as c.10737C>A), located in coding exon 39 of the ANK2 gene, results from a C to A substitution at nucleotide position 10737. The histidine at codon 3579 is replaced by glutamine, an amino acid with highly similar properties. This amino acid position is conserved. In addition, this alteration is predicted to be deleterious by in silico analysis. Based on the available evidence, the clinical significance of this variant remains unclear.